The following is an entry in ClinVar:

NM_001130987.2(DYSF):c.5671C>T (p.Gln1891Ter)

Gene: DYSF (dysferlin; plus strand). Cytogenetic location: 2p13.2.
Variant type: single nucleotide variant.
Coding change: c.5671C>T on transcript NM_001130987.2 (MANE Select); coding-DNA position 5671, C replaced by T.
Protein change: p.Gln1891Ter; replaces glutamine 1891 with a stop codon.
Molecular consequence: nonsense.
Genome position (GRCh38, 1-based): chr2:71,669,633, C>T. VCF-style: chr2-71669633-C-T. GRCh37 (hg19) VCF-style: chr2-71896763-C-T.
Other names: c.5578C>T, p.Gln1860Ter (NM_001130984.2); c.5608C>T, p.Gln1870Ter (NM_001130985.2); c.5515C>T, p.Gln1839Ter (NM_001130986.2); c.5554C>T, p.Gln1852Ter (NM_003494.4); c.5557C>T, p.Gln1853Ter (NM_001130455.2); c.5512C>T, p.Gln1838Ter (NM_001130976.2); c.5575C>T, p.Gln1859Ter (NM_001130977.2); c.5617C>T, p.Gln1873Ter (NM_001130978.2); and 5 more; short protein forms Q1869*, Q1891*, Q1852*, Q1853*, Q1859*, Q1873*, Q1874*, Q1838*.
Identifiers: ClinVar variation 1386091 (VCV001386091.6), dbSNP rs2152956531, ClinGen allele CA347223512.

ClinVar aggregate classification (germline): Pathogenic (1 of 4 stars; one submission).

Conditions:
Neuromuscular disease caused by qualitative or quantitative defects of dysferlin. Also called: Qualitative or quantitative defects of dysferlin; Dysferlinopathy. Identifiers: Orphanet 207073, MedGen C2931687, MONDO:0016145.

gnomAD v4.1: 1 of 1,614,198 alleles (0.000062%); no homozygotes.

Submission:

Labcorp Genetics (formerly Invitae), Labcorp
Classification: Pathogenic for Neuromuscular disease caused by qualitative or quantitative defects of dysferlin. Last evaluated: 2022-07-26. Review status: criteria provided, single submitter. Criteria: Invitae Variant Classification Sherloc (09022015). Collection method: clinical testing. Allele origin: germline.
Comment: For these reasons, this variant has been classified as Pathogenic. Algorithms developed to predict the effect of sequence changes on RNA splicing suggest that this variant may create or strengthen a splice site. This variant has not been reported in the literature in individuals affected with DYSF-related conditions. This variant is not present in population databases (gnomAD no frequency). This sequence change creates a premature translational stop signal (p.Gln1852*) in the DYSF gene. It is expected to result in an absent or disrupted protein product. Loss-of-function variants in DYSF are known to be pathogenic (PMID: 17698709, 20301480).

Literature cited by the submitters: PubMed 17698709; PubMed 20301480.